The following is an entry in ClinVar:

NM_017951.5(SMPD4):c.189C>T (p.Leu63=)

Gene: SMPD4 (sphingomyelin phosphodiesterase 4; minus strand). Cytogenetic location: 2q21.1.
Variant type: single nucleotide variant.
Coding change: c.189C>T on transcript NM_017951.5 (MANE Select); coding-DNA position 189, C replaced by T.
Protein change: p.Leu63=; no amino-acid change (leucine 63 retained).
Molecular consequence: synonymous variant. On other transcripts: non-coding transcript variant (1), intron variant (1).
Genome position (GRCh38, 1-based): chr2:130,173,594, G>A on the plus strand (C>T on the coding strand, the complement: SMPD4 is on the minus strand). VCF-style: chr2-130173594-G-A. GRCh37 (hg19) VCF-style: chr2-130931167-G-A.
Other names: c.306C>T, p.Leu102= (NM_017751.4); c.244-699C>T (NM_001171083.2).
Identifiers: ClinVar variation 1701388 (VCV001701388.31), dbSNP rs41269839, ClinGen allele CA1870303.

ClinVar aggregate classification (germline): Likely benign (1 of 4 stars; one submission).

Allele frequency attached by ClinVar (database versions not stated): 1000 Genomes Project 0.00419; 1000 Genomes Project 30x 0.00468; gnomAD 0.00488 and 0.00492; gnomAD exomes 0.00525 and 0.00640; TOPMed 0.00526; ExAC 0.00546; ESP Exome Variant Server 0.00577.
gnomAD v4.1: 10,131 of 1,613,824 alleles (0.63%); highest among the groups gnomAD compares: Middle Eastern, 1.3%; 58 homozygotes.

Submission:

CeGaT Center for Human Genetics Tuebingen
Classification: Likely benign. Last evaluated: 2026-07-01. Review status: criteria provided, single submitter. Criteria: CeGaT Center For Human Genetics Tuebingen Variant Classification Criteria Version 2. Collection method: clinical testing. Allele origin: germline. Affected: yes. Observed: 4 variant alleles.
Comment: SMPD4: BP4, BP7, BS2